The following is an entry in ClinVar:

ClinVar aggregate classification (germline): Benign/Likely benign. Review status: criteria provided, multiple submitters, no conflicts (2 of 4 stars). 4 submissions from 4 submitters: Benign (1); Likely benign (3). Last evaluated 2023-05-09.

Conditions:
Gerstmann-Straussler-Scheinker syndrome (GSD). Also called: Gerstmann-Sträussler-Scheinker Syndrome (GSS); PRION DEMENTIA; Spinocerebellar ataxia and plaque-like deposits; Spongiform encephalopathy; Cerebellar ataxia, progressive dementia, and amyloid deposits in the central nervous system; Encephalopathy subacute spongiform Gerstmann-Straussler type. Identifiers: Orphanet 356, MedGen C0017495, MONDO:0007656, OMIM 137440.
Fatal familial insomnia (FFI). Also called: Fatal Familial Insomnia (FFI). Identifiers: Orphanet 466, MedGen C0206042, MONDO:0010808, OMIM 600072.
Huntington disease-like 1 (HDL1). Also called: HUNTINGTON-LIKE NEURODEGENERATIVE DISORDER, AUTOSOMAL DOMINANT; PRION DISEASE, EARLY-ONSET, WITH PROMINENT PSYCHIATRIC FEATURES; HUNTINGTON-LIKE NEURODEGENERATIVE DISORDER 1. Identifiers: Orphanet 157941, MedGen C1864112, MONDO:0011299, OMIM 603218.
Spongiform encephalopathy with neuropsychiatric features. Identifiers: MedGen C1847650, MONDO:0011703, OMIM 606688.
Kuru, susceptibility to. Identifiers: Orphanet 454745, MedGen C1855588, MONDO:0009500, OMIM 245300.
Inherited Creutzfeldt-Jakob disease. Also called: Genetic Creutzfeldt-Jakob Disease (Genetic CJD); Creutzfeldt-Jakob Disease, Familial. Identifiers: Orphanet 204, Orphanet 282166, Orphanet 454700, MedGen C0751254, MONDO:0007403, OMIM 123400.
Inherited prion disease. Identifiers: Orphanet 280400, MedGen C5679775, MONDO:0017234.

Allele frequency attached by ClinVar (database versions not stated): gnomAD 0.00005 and 0.00004; ExAC 0.00003; TOPMed 0.00005; gnomAD exomes 0.00005.
gnomAD v4.1: 82 of 1,613,174 alleles (0.0051%); highest among the groups gnomAD compares: Middle Eastern, 0.067%; no homozygotes.

Submissions (4):

Labcorp Genetics (formerly Invitae), Labcorp
Classification: Likely benign for Huntington disease-like 1. Last evaluated: 2023-05-09. Review status: criteria provided, single submitter. Criteria: Invitae Variant Classification Sherloc (09022015). Collection method: clinical testing. Allele origin: germline.

Fulgent Genetics
Classification: Likely benign for Inherited Creutzfeldt-Jakob disease; Gerstmann-Straussler-Scheinker syndrome; Kuru, susceptibility to; Fatal familial insomnia; Huntington disease-like 1; Spongiform encephalopathy with neuropsychiatric features. Last evaluated: 2021-07-20. Review status: criteria provided, single submitter. Criteria: ACMG Guidelines, 2015. Collection method: clinical testing. Allele origin: unknown.

Illumina Laboratory Services, Illumina
Classification: Benign for Genetic prion diseases. Last evaluated: 2018-01-13. Review status: criteria provided, single submitter. Criteria: ICSL Variant Classification Criteria 13 December 2019. Collection method: clinical testing. Allele origin: germline.
Comment: This variant was observed in the ICSL laboratory as part of a predisposition screen in an ostensibly healthy population. It had not been previously curated by ICSL or reported in the Human Gene Mutation Database (HGMD: prior to June 1st, 2018), and was therefore a candidate for classification through an automated scoring system. Utilizing variant allele frequency, disease prevalence and penetrance estimates, and inheritance mode, an automated score was calculated to assess if this variant is too frequent to cause the disease. Based on the score and internal cut-off values, a variant classified as benign is not then subjected to further curation. The score for this variant resulted in a classification of benign for this disease.

Breakthrough Genomics
Classification: Likely benign. Review status: criteria provided, single submitter. Criteria: ACMG Guidelines, 2015. Collection method: not provided. Allele origin: germline. Inheritance: Autosomal dominant inheritance. Affected: yes.

NM_000311.5(PRNP):c.159C>T (p.Gly53=)

Gene: PRNP (prion protein (Kanno blood group); plus strand). Cytogenetic location: 20p13.
Variant type: single nucleotide variant.
Coding change: c.159C>T on transcript NM_000311.5 (MANE Select); coding-DNA position 159, C replaced by T.
Protein change: p.Gly53=; no amino-acid change (glycine 53 retained).
Molecular consequence: synonymous variant. On other transcripts: missense variant (1).
Genome position (GRCh38, 1-based): chr20:4,699,379, C>T. VCF-style: chr20-4699379-C-T. GRCh37 (hg19) VCF-style: chr20-4680025-C-T.
Other names: c.159C>T, p.Gly53= (NM_001080121.3, NM_001080122.3, NM_001080123.3 and 1 more transcripts); c.70C>T, p.Arg24Trp (NM_001271561.3); short protein forms R24W.
Identifiers: ClinVar variation 338645 (VCV000338645.16), dbSNP rs776188950, ClinGen allele CA9752017.